The following is an entry in ClinVar:

ClinVar aggregate classification (germline): Likely benign. Review status: criteria provided, multiple submitters, no conflicts (2 of 4 stars). 2 submissions from 2 submitters: Likely benign (2). Last evaluated 2024-11-11.

Conditions:
FG syndrome (FGS). Identifiers: MedGen C0220769, MONDO:0002010.

Allele frequency attached by ClinVar (database versions not stated): ExAC below 0.00001; TOPMed below 0.00001; gnomAD 0.00001.
gnomAD v4.1: 1 of 1,188,440 alleles (0.000084%); highest among the groups gnomAD compares: African/African-American, 0.0018%; no homozygotes.

Submissions (2):

Labcorp Genetics (formerly Invitae), Labcorp
Classification: Likely benign for FG syndrome. Last evaluated: 2024-11-11. Review status: criteria provided, single submitter. Criteria: Invitae Variant Classification Sherloc (09022015). Collection method: clinical testing. Allele origin: germline.

GeneDx
Classification: Likely benign. Last evaluated: 2016-07-26. Review status: criteria provided, single submitter. Criteria: GeneDx Variant Classification (06012015). Collection method: clinical testing. Allele origin: germline. Affected: yes.
Comment: This variant is considered likely benign or benign based on one or more of the following criteria: it is a conservative change, it occurs at a poorly conserved position in the protein, it is predicted to be benign by multiple in silico algorithms, and/or has population frequency not consistent with disease.

NM_005120.3(MED12):c.4470A>G (p.Lys1490=)

Gene: MED12 (mediator complex subunit 12; plus strand). Cytogenetic location: Xq13.1.
Variant type: single nucleotide variant.
Coding change: c.4470A>G on transcript NM_005120.3 (MANE Select); coding-DNA position 4470, A replaced by G.
Protein change: p.Lys1490=; no amino-acid change (lysine 1490 retained).
Molecular consequence: synonymous variant.
Genome position (GRCh38, 1-based): chrX:71,132,899, A>G. VCF-style: chrX-71132899-A-G. GRCh37 (hg19) VCF-style: chrX-70352749-A-G.
Identifiers: ClinVar variation 387728 (VCV000387728.4), dbSNP rs766138859, ClinGen allele CA10444656.